The following is an entry in ClinVar:

ClinVar aggregate classification (germline): Uncertain significance (1 of 4 stars; one submission).

Conditions:
Charcot-Marie-Tooth disease type 4. Also called: Charcot-Marie-Tooth, Type 4; Charcot-Marie-Tooth disease, type IV. Identifiers: Orphanet 64749, MedGen C4082197, MONDO:0018995.

Allele frequency attached by ClinVar (database versions not stated): gnomAD exomes below 0.00001; gnomAD 0.00001; TOPMed 0.00001.
gnomAD v4.1: 7 of 1,613,338 alleles (0.00043%); highest among the groups gnomAD compares: East Asian, 0.0022%; no homozygotes.

Submission:

Labcorp Genetics (formerly Invitae), Labcorp
Classification: Uncertain significance for Charcot-Marie-Tooth disease type 4. Last evaluated: 2022-03-28. Review status: criteria provided, single submitter. Criteria: Invitae Variant Classification Sherloc (09022015). Collection method: clinical testing. Allele origin: germline.
Comment: This sequence change replaces glycine, which is neutral and non-polar, with arginine, which is basic and polar, at codon 53 of the SBF2 protein (p.Gly53Arg). This variant is present in population databases (no rsID available, gnomAD 0.003%). This variant has not been reported in the literature in individuals affected with SBF2-related conditions. Algorithms developed to predict the effect of missense changes on protein structure and function are either unavailable or do not agree on the potential impact of this missense change (SIFT: "Deleterious"; PolyPhen-2: "Probably Damaging"; Align-GVGD: "Class C0"). In summary, the available evidence is currently insufficient to determine the role of this variant in disease. Therefore, it has been classified as a Variant of Uncertain Significance.

NM_030962.4(SBF2):c.157G>A (p.Gly53Arg)

Gene: SBF2 (SET binding factor 2; minus strand). Cytogenetic location: 11p15.4.
Variant type: single nucleotide variant.
Coding change: c.157G>A on transcript NM_030962.4 (MANE Select); coding-DNA position 157, G replaced by A.
Protein change: p.Gly53Arg; replaces glycine 53 with arginine.
Molecular consequence: missense variant.
Genome position (GRCh38, 1-based): chr11:10,042,966, C>T on the plus strand (G>A on the coding strand, the complement: SBF2 is on the minus strand). VCF-style: chr11-10042966-C-T. GRCh37 (hg19) VCF-style: chr11-10064513-C-T.
Other names: c.157G>A, p.Gly53Arg (NM_001386339.1, NM_001386342.1); short protein forms G53R.
Identifiers: ClinVar variation 2155623 (VCV002155623.1), dbSNP rs900191960, ClinGen allele CA217636335.